The following is an entry in ClinVar:

NM_000051.4(ATM):c.4648A>G (p.Lys1550Glu)

Gene: ATM (ATM serine/threonine kinase; plus strand). Cytogenetic location: 11q22.3.
Variant type: single nucleotide variant.
Coding change: c.4648A>G on transcript NM_000051.4 (MANE Select); coding-DNA position 4648, A replaced by G.
Protein change: p.Lys1550Glu; replaces lysine 1550 with glutamic acid.
Molecular consequence: missense variant.
Genome position (GRCh38, 1-based): chr11:108,293,349, A>G. VCF-style: chr11-108293349-A-G. GRCh37 (hg19) VCF-style: chr11-108164076-A-G.
Other names: c.4648A>G, p.Lys1550Glu (NM_001351834.2); short protein forms K1550E.
Identifiers: ClinVar variation 482634 (VCV000482634.6), dbSNP rs1555100449, ClinGen allele CA382534644.
Genomic context (GRCh38, chr11:108,293,349, plus strand): 5'-TTTTTCTTTTTAAATTATATTTAGGTATTGGACTTGTTGAAATACTTAGTGATAGATAAC[A>G]AGGATAATGAAAACCTCTATATCACGATTAAGCTTTTAGATCCTTTTCCTGACCATGTTG-3'
Protein context (NP_000042.3, residues 1540-1560): DLLKYLVIDN[Lys1550Glu]DNENLYITIK

ClinVar aggregate classification (germline): Uncertain significance. Review status: criteria provided, multiple submitters, no conflicts (2 of 4 stars). 2 submissions from 2 submitters: Uncertain significance (2). Last evaluated 2025-02-19.

Conditions:
Hereditary cancer-predisposing syndrome. Also called: Hereditary neoplastic syndrome; Neoplastic Syndromes, Hereditary; Tumor predisposition; Hereditary Cancer Syndrome. Identifiers: Orphanet 140162, MedGen C0027672, MeSH D009386, MONDO:0015356.
Ataxia-telangiectasia syndrome (AT). Also called: LOUIS-BAR SYNDROME; Cerebello-oculocutaneous telangiectasia; Immunodeficiency with ataxia telangiectasia; AT, COMPLEMENTATION GROUP C; Ataxia-telangiectasia, complementation group D; ATAXIA-TELANGIECTASIA, COMPLEMENTATION GROUP A. Identifiers: Orphanet 100, MedGen C0004135, MONDO:0008840, OMIM 208900.

Submissions (2):

Labcorp Genetics (formerly Invitae), Labcorp
Classification: Uncertain significance for Ataxia-telangiectasia syndrome. Last evaluated: 2025-02-19. Review status: criteria provided, single submitter. Criteria: Invitae Variant Classification Sherloc (09022015). Collection method: clinical testing. Allele origin: germline.
Comment: This sequence change replaces lysine, which is basic and polar, with glutamic acid, which is acidic and polar, at codon 1550 of the ATM protein (p.Lys1550Glu). This variant is not present in population databases (gnomAD no frequency). This variant has not been reported in the literature in individuals affected with ATM-related conditions. ClinVar contains an entry for this variant (Variation ID: 482634). Invitae Evidence Modeling of protein sequence and biophysical properties (such as structural, functional, and spatial information, amino acid conservation, physicochemical variation, residue mobility, and thermodynamic stability) indicates that this missense variant is not expected to disrupt ATM protein function with a negative predictive value of 95%. In summary, the available evidence is currently insufficient to determine the role of this variant in disease. Therefore, it has been classified as a Variant of Uncertain Significance.

Ambry Genetics
Classification: Uncertain significance for Hereditary cancer-predisposing syndrome. Last evaluated: 2016-08-29. Review status: criteria provided, single submitter. Criteria: Ambry Variant Classification Scheme 2023. Collection method: clinical testing. Allele origin: germline.
Comment: The p.K1550E variant (also known as c.4648A>G), located in coding exon 30 of the ATM gene, results from an A to G substitution at nucleotide position 4648. The lysine at codon 1550 is replaced by glutamic acid, an amino acid with similar properties. This variant was not reported in population based cohorts in the following databases: Database of Single Nucleotide Polymorphisms (dbSNP), NHLBI Exome Sequencing Project (ESP), and 1000 Genomes Project. In the ESP, this variant was not observed in 6494 samples (12988 alleles) with coverage at this position. To date, this alteration has been detected with an allele frequency of approximately 0.0005% (greater than 180000 alleles tested) in our clinical cohort. This amino acid position is well conserved in available vertebrate species. In addition, this alteration is predicted to be tolerated by in silico analysis. Since supporting evidence is limited at this time, the clinical significance of this alteration remains unclear.